The following is an entry in ClinVar:

ClinVar aggregate classification (germline): Conflicting classifications of pathogenicity. Review status: criteria provided, conflicting classifications (1 of 4 stars). 2 submissions from 2 submitters: Uncertain significance (1); Likely benign (1). Last evaluated 2024-11-18.

Allele frequency attached by ClinVar (database versions not stated): ESP Exome Variant Server 0.00008; gnomAD 0.00009 and 0.00006; 1000 Genomes Project 30x 0.00016; TOPMed 0.00005; gnomAD exomes 0.00007 and 0.00020; ExAC 0.00021.

Submissions (2):

Ambry Genetics
Classification: Uncertain significance. Last evaluated: 2024-11-18. Review status: criteria provided, single submitter. Criteria: Ambry Variant Classification Scheme 2023. Collection method: clinical testing. Allele origin: germline.
Comment: The p.E864K variant (also known as c.2590G>A), located in coding exon 13 of the GEN1 gene, results from a G to A substitution at nucleotide position 2590. The glutamic acid at codon 864 is replaced by lysine, an amino acid with similar properties. This amino acid position is conserved. In addition, this alteration is predicted to be tolerated by in silico analysis. Based on the available evidence, the clinical significance of this variant remains unclear.

Labcorp Genetics (formerly Invitae), Labcorp
Classification: Likely benign. Last evaluated: 2024-09-04. Review status: criteria provided, single submitter. Criteria: Invitae Variant Classification Sherloc (09022015). Collection method: clinical testing. Allele origin: germline.

NM_001130009.3(GEN1):c.2590G>A (p.Glu864Lys)

Gene: GEN1 (GEN1 structure-specific endonuclease; plus strand). Cytogenetic location: 2p24.2.
Variant type: single nucleotide variant.
Coding change: c.2590G>A on transcript NM_001130009.3 (MANE Select); coding-DNA position 2590, G replaced by A.
Protein change: p.Glu864Lys; replaces glutamic acid 864 with lysine.
Molecular consequence: missense variant.
Genome position (GRCh38, 1-based): chr2:17,781,802, G>A. VCF-style: chr2-17781802-G-A. GRCh37 (hg19) VCF-style: chr2-17963069-G-A.
Other names: c.2590G>A, p.Glu864Lys (NM_182625.5); c.2590G>A (NM_001130009.1); short protein forms E864K.
Identifiers: ClinVar variation 1087874 (VCV001087874.11), dbSNP rs376402032, ClinGen allele CA1540983.